The following is an entry in ClinVar:

NM_020461.4(TUBGCP6):c.4001C>G (p.Ser1334Trp)

Gene: TUBGCP6 (tubulin gamma complex component 6; minus strand). Cytogenetic location: 22q13.33.
Variant type: single nucleotide variant.
Coding change: c.4001C>G on transcript NM_020461.4 (MANE Select); coding-DNA position 4001, C replaced by G.
Protein change: p.Ser1334Trp; replaces serine 1334 with tryptophan.
Molecular consequence: missense variant.
Genome position (GRCh38, 1-based): chr22:50,220,358, G>C on the plus strand (C>G on the coding strand, the complement: TUBGCP6 is on the minus strand). VCF-style: chr22-50220358-G-C. GRCh37 (hg19) VCF-style: chr22-50658787-G-C.
Other names: short protein forms S1334W.
Identifiers: ClinVar variation 1897713 (VCV001897713.4), dbSNP rs778863982, ClinGen allele CA325511727.

ClinVar aggregate classification (germline): Uncertain significance (1 of 4 stars; one submission).

gnomAD v4.1: 4 of 1,532,062 alleles (0.00026%); highest among the groups gnomAD compares: African/African-American, 0.0041%; no homozygotes.

Submission:

Labcorp Genetics (formerly Invitae), Labcorp
Classification: Uncertain significance. Last evaluated: 2022-02-18. Review status: criteria provided, single submitter. Criteria: Invitae Variant Classification Sherloc (09022015). Collection method: clinical testing. Allele origin: germline.
Comment: This sequence change replaces serine, which is neutral and polar, with tryptophan, which is neutral and slightly polar, at codon 1334 of the TUBGCP6 protein (p.Ser1334Trp). This variant is not present in population databases (gnomAD no frequency). This variant has not been reported in the literature in individuals affected with TUBGCP6-related conditions. Algorithms developed to predict the effect of missense changes on protein structure and function are either unavailable or do not agree on the potential impact of this missense change (SIFT: "Deleterious"; PolyPhen-2: "Probably Damaging"; Align-GVGD: "Class C0"). In summary, the available evidence is currently insufficient to determine the role of this variant in disease. Therefore, it has been classified as a Variant of Uncertain Significance.